The following is an entry in ClinVar:

NM_030665.4(RAI1):c.4367A>G (p.His1456Arg)

Gene: RAI1 (retinoic acid induced 1; plus strand). Cytogenetic location: 17p11.2.
Variant type: single nucleotide variant.
Coding change: c.4367A>G on transcript NM_030665.4 (MANE Select); coding-DNA position 4367, A replaced by G.
Protein change: p.His1456Arg; replaces histidine 1456 with arginine.
Molecular consequence: missense variant.
Genome position (GRCh38, 1-based): chr17:17,797,315, A>G. VCF-style: chr17-17797315-A-G. GRCh37 (hg19) VCF-style: chr17-17700629-A-G.
Other names: short protein forms H1456R.
Identifiers: ClinVar variation 2985002 (VCV002985002.3), dbSNP rs1304967904, ClinGen allele CA398556461.
Genomic context (GRCh38, chr17:17,797,315, plus strand): 5'-AGCCTGGGGGGACTGCCCTGGCGCCTAAGAAGAGGAGCCGGAAAGGCCGGGCAGGGGCCC[A>G]TGGACTCTCCAAAGGCCCGCTGGAGAAGCGGCCCTATCTTGGCCCGGCTCTGCTCCTGAC-3'
Protein context (NP_109590.3, residues 1446-1466): KRSRKGRAGA[His1456Arg]GLSKGPLEKR

ClinVar aggregate classification (germline): Uncertain significance (1 of 4 stars; one submission).

Submission:

Labcorp Genetics (formerly Invitae), Labcorp
Classification: Uncertain significance. Last evaluated: 2023-10-03. Review status: criteria provided, single submitter. Criteria: Invitae Variant Classification Sherloc (09022015). Collection method: clinical testing. Allele origin: germline.
Comment: This sequence change replaces histidine, which is basic and polar, with arginine, which is basic and polar, at codon 1456 of the RAI1 protein (p.His1456Arg). This variant is present in population databases (no rsID available, gnomAD 0.0009%). This variant has not been reported in the literature in individuals affected with RAI1-related conditions. Advanced modeling of protein sequence and biophysical properties (such as structural, functional, and spatial information, amino acid conservation, physicochemical variation, residue mobility, and thermodynamic stability) performed at Invitae indicates that this missense variant is not expected to disrupt RAI1 protein function. In summary, the available evidence is currently insufficient to determine the role of this variant in disease. Therefore, it has been classified as a Variant of Uncertain Significance.